The following is an entry in ClinVar:

ClinVar aggregate classification (germline): Uncertain significance. Review status: criteria provided, multiple submitters, no conflicts (2 of 4 stars). 3 submissions from 3 submitters: Uncertain significance (3). Last evaluated 2026-06-12.

Conditions:
Platelet-type bleeding disorder 10. Also called: CD36 DEFICIENCY. Identifiers: MedGen C1842090, MONDO:0012031, OMIM 608404.

Allele frequency attached by ClinVar (database versions not stated): gnomAD exomes 0.00004; ExAC 0.00005; TOPMed 0.00007; ESP Exome Variant Server 0.00015.
gnomAD v4.1: 172 of 1,557,852 alleles (0.011%); highest among the groups gnomAD compares: Non-Finnish European, 0.014%; no homozygotes.

Submissions (3):

Women's Health and Genetics/Laboratory Corporation of America, LabCorp
Classification: Uncertain significance. Last evaluated: 2026-06-12. Review status: criteria provided, single submitter. Criteria: LabCorp Variant Classification Summary - May 2015. Collection method: clinical testing. Allele origin: germline.
Comment: Variant summary: CD36 c.625G>C (p.Asp209His) results in a non-conservative amino acid change in the encoded protein sequence. Algorithms developed to predict the effect of missense changes on protein structure and function all suggest that this variant is likely to be disruptive. The variant allele was found at a frequency of 4.4e-05 in 250658 control chromosomes. This frequency is not significantly higher than estimated for disease-causing variants in CD36, allowing no conclusion about variant significance. To our knowledge, no occurrence of c.625G>C in individuals affected with CD36-related conditions and no experimental evidence demonstrating its impact on protein function have been reported. ClinVar contains an entry for this variant (Variation ID: 911919). Based on the evidence outlined above, the variant was classified as uncertain significance.

Ambry Genetics
Classification: Uncertain significance. Last evaluated: 2023-11-06. Review status: criteria provided, single submitter. Criteria: Ambry Variant Classification Scheme 2023. Collection method: clinical testing. Allele origin: germline.

Illumina Laboratory Services, Illumina
Classification: Uncertain significance for Platelet-type bleeding disorder 10. Last evaluated: 2018-01-13. Review status: criteria provided, single submitter. Criteria: ICSL Variant Classification Criteria 13 December 2019. Collection method: clinical testing. Allele origin: germline.

NM_001001548.3(CD36):c.625G>C (p.Asp209His)

Gene: CD36 (CD36 molecule (CD36 blood group); plus strand). Cytogenetic location: 7q21.11.
Variant type: single nucleotide variant.
Coding change: c.625G>C on transcript NM_001001548.3 (MANE Select); coding-DNA position 625, G replaced by C.
Protein change: p.Asp209His; replaces aspartic acid 209 with histidine.
Molecular consequence: missense variant. On other transcripts: non-coding transcript variant (1).
Genome position (GRCh38, 1-based): chr7:80,664,421, G>C. VCF-style: chr7-80664421-G-C. GRCh37 (hg19) VCF-style: chr7-80293737-G-C.
Other names: c.625G>C, p.Asp209His (NM_000072.3, NM_001001547.3, NM_001127443.2 and 6 more transcripts); c.445G>C, p.Asp149His (NM_001289909.1); c.397G>C, p.Asp133His (NM_001289911.2); c.523G>C, p.Asp175His (NM_001371079.1); c.160G>C, p.Asp54His (NM_001371080.1, NM_001371081.1); short protein forms D133H, D149H, D209H, D175H, D54H.
Identifiers: ClinVar variation 911919 (VCV000911919.6), dbSNP rs150674228, ClinGen allele CA4315287.
Genomic context (GRCh38, chr7:80,664,421, plus strand): 5'-AAAAATGACTTGTAGAAGTAACATTTTCCCATACATATATTTCAGTACAACAATACTGCA[G>C]ATGGAGTTTATAAAGTTTTCAATGGAAAAGATAACATAAGTAAAGTTGCCATAATCGACA-3'
Protein context (NP_001001548.1, residues 199-219): GLFYPYNNTA[Asp209His]GVYKVFNGKD